The following is an entry in ClinVar:

NM_000211.5(ITGB2):c.1507T>A (p.Ser503Thr)

Gene: ITGB2 (integrin subunit beta 2; minus strand). Cytogenetic location: 21q22.3.
Variant type: single nucleotide variant.
Coding change: c.1507T>A on transcript NM_000211.5 (MANE Select); coding-DNA position 1507, T replaced by A.
Protein change: p.Ser503Thr; replaces serine 503 with threonine.
Molecular consequence: missense variant.
Genome position (GRCh38, 1-based): chr21:44,890,128, A>T on the plus strand (T>A on the coding strand, the complement: ITGB2 is on the minus strand). VCF-style: chr21-44890128-A-T. GRCh37 (hg19) VCF-style: chr21-46310043-A-T.
Other names: c.1507T>A, p.Ser503Thr (NM_001127491.3); c.1300T>A, p.Ser434Thr (NM_001303238.2); short protein forms S434T, S503T.
Identifiers: ClinVar variation 641358 (VCV000641358.9), dbSNP rs1568882038, ClinGen allele CA410484584.

ClinVar aggregate classification (germline): Uncertain significance (1 of 4 stars; one submission).

Conditions:
Leukocyte adhesion deficiency 1 (LAD1). Also called: LEUKOCYTE ADHESION DEFICIENCY, TYPE I; LAD 1; Lymphocyte function-associated antigen 1 immunodeficiency; LFA 1 immunodeficiency. Identifiers: Orphanet 2968, Orphanet 99842, MedGen C0398738, MONDO:0007293, OMIM 116920.

gnomAD v4.1: 1 of 1,613,248 alleles (0.000062%); highest among the groups gnomAD compares: African/African-American, 0.0013%; no homozygotes.

Submission:

Labcorp Genetics (formerly Invitae), Labcorp
Classification: Uncertain significance for Leukocyte adhesion deficiency 1. Last evaluated: 2020-12-13. Review status: criteria provided, single submitter. Criteria: Invitae Variant Classification Sherloc (09022015). Collection method: clinical testing. Allele origin: germline.
Comment: This sequence change replaces serine with threonine at codon 503 of the ITGB2 protein (p.Ser503Thr). The serine residue is highly conserved and there is a small physicochemical difference between serine and threonine. This variant is not present in population databases (ExAC no frequency). This variant has not been reported in the literature in individuals with ITGB2-related conditions. Algorithms developed to predict the effect of missense changes on protein structure and function (SIFT, PolyPhen-2, Align-GVGD) all suggest that this variant is likely to be disruptive, but these predictions have not been confirmed by published functional studies and their clinical significance is uncertain. In summary, the available evidence is currently insufficient to determine the role of this variant in disease. Therefore, it has been classified as a Variant of Uncertain Significance.